The following is an entry in ClinVar:

NM_182961.4(SYNE1):c.3933C>A (p.His1311Gln)

Gene: SYNE1 (spectrin repeat containing nuclear envelope protein 1; minus strand). Cytogenetic location: 6q25.2.
Variant type: single nucleotide variant.
Coding change: c.3933C>A on transcript NM_182961.4 (MANE Select); coding-DNA position 3933, C replaced by A.
Protein change: p.His1311Gln; replaces histidine 1311 with glutamine.
Molecular consequence: missense variant.
Genome position (GRCh38, 1-based): chr6:152,442,150, G>T on the plus strand (C>A on the coding strand, the complement: SYNE1 is on the minus strand). VCF-style: chr6-152442150-G-T. GRCh37 (hg19) VCF-style: chr6-152763285-G-T.
Other names: c.3954C>A, p.His1318Gln (NM_033071.5); short protein forms H1311Q, H1318Q.
Identifiers: ClinVar variation 538401 (VCV000538401.4), dbSNP rs774093065, ClinGen allele CA4058712.
Genomic context (GRCh38, chr6:152,442,150, plus strand): 5'-CTGCCTCTCCCGGCTGCGCTCCAGGCCATCCAGTGTGCTCTCCAGCTTCCGCAGCTCCTC[G>T]TGGCCTCGGTCAGGCAGCCCCCCTTCTCCCTGCTGCGCCTGCGCGATCTGCTGCTGCACA-3'
Protein context (NP_892006.3, residues 1301-1321): QGEGGLPDRG[His1311Gln]EELRKLESTL

ClinVar aggregate classification (germline): Uncertain significance (1 of 4 stars; one submission).

Conditions:
Autosomal recessive ataxia, Beauce type. Also called: SYNE1-Related Autosomal Recessive Cerebellar Ataxia; Spinocerebellar ataxia, autosomal recessive 8; ATAXIA, RECESSIVE, OF BEAUCE; SYNE1 Deficiency. Identifiers: Orphanet 88644, MedGen C1853116, MONDO:0012549, OMIM 610743.
Emery-Dreifuss muscular dystrophy 4, autosomal dominant (EDMD4). Also called: EMERY-DREIFUSS MUSCULAR DYSTROPHY 4 WITH VARIABLE FEATURES. Identifiers: Orphanet 261, MedGen C2751807, MONDO:0013071, OMIM 612998.

Allele frequency attached by ClinVar (database versions not stated): ExAC 0.00001; gnomAD 0.00003 and 0.00004; TOPMed 0.00003.
gnomAD v4.1: 15 of 1,613,652 alleles (0.00093%); highest among the groups gnomAD compares: African/African-American, 0.012%; no homozygotes.

Submission:

Labcorp Genetics (formerly Invitae), Labcorp
Classification: Uncertain significance for Emery-Dreifuss muscular dystrophy 4, autosomal dominant; Autosomal recessive ataxia, Beauce type. Last evaluated: 2022-04-19. Review status: criteria provided, single submitter. Criteria: Invitae Variant Classification Sherloc (09022015). Collection method: clinical testing. Allele origin: germline.
Comment: This sequence change replaces histidine, which is basic and polar, with glutamine, which is neutral and polar, at codon 1318 of the SYNE1 protein (p.His1318Gln). This variant is present in population databases (rs774093065, gnomAD 0.003%). This variant has not been reported in the literature in individuals affected with SYNE1-related conditions. ClinVar contains an entry for this variant (Variation ID: 538401). Algorithms developed to predict the effect of missense changes on protein structure and function output the following: SIFT: "Tolerated"; PolyPhen-2: "Benign"; Align-GVGD: "Class C0". The glutamine amino acid residue is found in multiple mammalian species, which suggests that this missense change does not adversely affect protein function. In summary, the available evidence is currently insufficient to determine the role of this variant in disease. Therefore, it has been classified as a Variant of Uncertain Significance.